The following is an entry in ClinVar:

ClinVar aggregate classification (germline): Likely pathogenic (1 of 4 stars; one submission).

Submission:

Dasa
Classification: Likely pathogenic. Last evaluated: 2024-05-13. Review status: criteria provided, single submitter. Criteria: DASA Assertion Criteria. Collection method: clinical testing. Allele origin: germline.
Comment: NM_015909.4(NBAS):c.1141del (p.Ile381Serfs*10) is a frameshift variant in NBAS predicted to alter the reading frame and introduce a premature termination codon and is predicted to result in an absent or altered protein product. Loss of function is an established disease mechanism for NBAS-associated disorders. Also, this variant is rare in population databases. Based on the currently available evidence, this variant is classified as likely pathogenic.

NM_015909.4(NBAS):c.1141del (p.Ile381fs)

Gene: NBAS (NBAS subunit of NRZ tethering complex; minus strand). Cytogenetic location: 2p24.3.
Variant type: Deletion.
Coding change: c.1141del on transcript NM_015909.4 (MANE Select); coding-DNA position 1141, one base deleted (A; older notation c.1141delA).
Protein change: p.Ile381fs; shifts the reading frame from isoleucine 381.
Molecular consequence: frameshift variant. On other transcripts: non-coding transcript variant (1).
Genome position (GRCh38, 1-based): chr2:15,478,232, T deleted on the plus strand (A on the coding strand, the reverse complement: NBAS is on the minus strand); the first of 8 consecutive T bases (chr2:15,478,232-15,478,239); deleting any one gives the same sequence. VCF-style (leftmost placement, unchanged base first): chr2-15478231-AT-A. GRCh37 (hg19) VCF-style: chr2-15618355-AT-A.
Other names: short protein forms I381fs.
Identifiers: ClinVar variation 4856824 (VCV004856824.2).
Genomic context (GRCh38, chr2:15,478,231, plus strand): 5'-TGTATAATAATAGGAGTATATTAAGGTTTCAATTATCACATTTCGTAGAACTCACCTTTG[AT>A]TTTTTTTCTCTTCTCAGTAGAGAGCCTCCAATCAGGATTAAGGTCATCATAGCCTGGCTA-3'